The following is an entry in ClinVar:

ClinVar aggregate classification (germline): Likely benign. Review status: criteria provided, multiple submitters, no conflicts (2 of 4 stars). 5 submissions from 5 submitters: Likely benign (4). 1 of the submissions does not count toward it. Last evaluated 2026-02-01.

Conditions:
Inborn genetic diseases. Identifiers: MedGen C0950123, MeSH D030342.
3-methylglutaconic aciduria, type VIIB (MGCA7B). Also called: CLPB Deficiency; 3-methylglutaconic aciduria with cataracts, neurologic involvement and neutropenia; 3-methylglutaconic aciduria, type VII, with cataracts, neurologic involvement and neutropenia. Identifiers: Orphanet 445038, MedGen C5676893, MONDO:0014561, OMIM 616271.
CLPB-related disorder. Also called: CLPB-related condition.

Allele frequency attached by ClinVar (database versions not stated): gnomAD exomes 0.00022; ExAC 0.00028; 1000 Genomes Project 30x 0.00078; 1000 Genomes Project 0.00080; ESP Exome Variant Server 0.00092; gnomAD 0.00096; TOPMed 0.00111.
gnomAD v4.1: 309 of 1,613,290 alleles (0.019%); highest among the groups gnomAD compares: African/African-American, 0.3%; 2 homozygotes.

Submissions (5):

Labcorp Genetics (formerly Invitae), Labcorp
Classification: Likely benign for 3-methylglutaconic aciduria, type VIIB. Last evaluated: 2026-02-01. Review status: criteria provided, single submitter. Criteria: Invitae Variant Classification Sherloc (09022015). Collection method: clinical testing. Allele origin: germline.

Ambry Genetics
Classification: Likely benign for Inborn genetic diseases. Last evaluated: 2025-02-12. Review status: criteria provided, single submitter. Criteria: Ambry Variant Classification Scheme 2023. Collection method: clinical testing. Allele origin: germline.

Blueprint Genetics
Classification: Likely benign. Last evaluated: 2024-08-15. Review status: criteria provided, single submitter. Criteria: ACMG Guidelines, 2015. Collection method: clinical testing. Allele origin: germline.

GeneDx
Classification: Likely benign. Last evaluated: 2020-06-08. Review status: criteria provided, single submitter. Criteria: GeneDx Variant Classification Process June 2021. Collection method: clinical testing. Allele origin: germline. Affected: yes.

PreventionGenetics, part of Exact Sciences
Classification: Likely benign for CLPB-related condition. Last evaluated: 2023-07-30. Review status: no assertion criteria provided. Collection method: clinical testing. Allele origin: germline. Not counted in ClinVar's aggregate classification.
Comment: This variant is classified as likely benign based on ACMG/AMP sequence variant interpretation guidelines (Richards et al. 2015 PMID: 25741868, with internal and published modifications).

NM_001258392.3(CLPB):c.212G>C (p.Gly71Ala)

Genes: CLPB (ClpB family mitochondrial disaggregase; minus strand), LOC130006336 (ATAC-STARR-seq lymphoblastoid active region 5191; plus strand). Cytogenetic location: 11q13.4.
Variant type: single nucleotide variant.
Coding change: c.212G>C on transcript NM_001258392.3 (MANE Select); coding-DNA position 212, G replaced by C.
Protein change: p.Gly71Ala; replaces glycine 71 with alanine.
Molecular consequence: missense variant. On other transcripts: 5 prime UTR variant (1).
Genome position (GRCh38, 1-based): chr11:72,434,263, C>G on the plus strand (G>C on the coding strand, the complement: CLPB is on the minus strand). VCF-style: chr11-72434263-C-G. GRCh37 (hg19) VCF-style: chr11-72145307-C-G.
Other names: c.212G>C (NM_030813.3); c.212G>C, p.Gly71Ala (NM_001258393.3, NM_030813.6); c.-31G>C (NM_001258394.3); short protein forms G71A.
Identifiers: ClinVar variation 784587 (VCV000784587.17), dbSNP rs146099754, ClinGen allele CA6171648.